The following is an entry in ClinVar:

NM_144573.4(NEXN):c.1684G>C (p.Glu562Gln)

Gene: NEXN (nexilin F-actin binding protein; plus strand). Cytogenetic location: 1p31.1.
Variant type: single nucleotide variant.
Coding change: c.1684G>C on transcript NM_144573.4 (MANE Select); coding-DNA position 1684, G replaced by C.
Protein change: p.Glu562Gln; replaces glutamic acid 562 with glutamine.
Molecular consequence: missense variant.
Genome position (GRCh38, 1-based): chr1:77,942,485, G>C. VCF-style: chr1-77942485-G-C. GRCh37 (hg19) VCF-style: chr1-78408170-G-C.
Other names: p.E562Q:GAA>CAA; c.1492G>C, p.Glu498Gln (NM_001172309.2); short protein forms E562Q, E498Q.
Identifiers: ClinVar variation 201930 (VCV000201930.2), dbSNP rs794729085, ClinGen allele CA335430.
Genomic context (GRCh38, chr1:77,942,485, plus strand): 5'-ATAAATGCCAACCTGAATGCATTTATTTTAATACAGAAAAGAGAAGAGGAGGAGGAGGAA[G>C]AAGGTAGCATCATGAATGGCTCCACTGCTGAAGATGAAGAGCAAACCAGATCAGGAGCTC-3'
Protein context (NP_653174.3, residues 552-572): QKKREEEEEE[Glu562Gln]GSIMNGSTAE

ClinVar aggregate classification (germline): Uncertain significance (1 of 4 stars; one submission).

Allele frequency attached by ClinVar (database versions not stated): gnomAD exomes below 0.00001.
gnomAD v4.1: 1 of 1,613,786 alleles (0.000062%); highest among the groups gnomAD compares: Non-Finnish European, 0.000085%; no homozygotes.

Submission:

GeneDx
Classification: Uncertain significance. Last evaluated: 2014-06-26. Review status: criteria provided, single submitter. Criteria: GeneDx Variant Classification (06012015). Collection method: clinical testing. Allele origin: germline. Affected: yes.
Comment: p.Glu562Gln (GAA>CAA): c.1684 G>C in exon 13 of the NEXN gene (NM_144573.3). A variant of unknown significance has been identified in the NEXN gene. The E562Q variant has not been published as a mutation or as a benign polymorphism to our knowledge. The E562Q variant was not observed in approximately 6,000 individuals of European and African American ancestry in the NHLBI Exome Sequencing Project, indicating it is not a common benign variant in these populations. In addition, the E562Q variant is a semi-conservative amino acid substitution, which may impact secondary protein structure as these residues differ in some properties. This substitution occurs at a position that is class conserved across species. In silico analysis is inconsistent in its predictions, however two models predict this variant likely does not alter the protein structure/function. Furthermore, no missense mutations in nearby residues have been in association with cardiomyopathy, indicating this region of the protein may be tolerant of change. Therefore, based on the currently available information, it is unclear whether this variant is a pathogenic mutation or a rare benign variant. The variant is found in DCM-CRDM panel(s).